The following is an entry in ClinVar:

ClinVar aggregate classification (germline): Uncertain significance. Review status: criteria provided, multiple submitters, no conflicts (2 of 4 stars). 2 submissions from 2 submitters: Uncertain significance (2). Last evaluated 2022-10-25.

Allele frequency attached by ClinVar (database versions not stated): gnomAD 0.00002; gnomAD exomes 0.00003 and 0.00001; TOPMed 0.00005; ESP Exome Variant Server 0.00008; ExAC 0.00002.

Submissions (2):

Labcorp Genetics (formerly Invitae), Labcorp
Classification: Uncertain significance. Last evaluated: 2022-10-25. Review status: criteria provided, single submitter. Criteria: Invitae Variant Classification Sherloc (09022015). Collection method: clinical testing. Allele origin: germline.
Comment: This sequence change replaces glycine, which is neutral and non-polar, with serine, which is neutral and polar, at codon 1007 of the LAMC3 protein (p.Gly1007Ser). This variant is present in population databases (rs141105450, gnomAD 0.007%). This variant has not been reported in the literature in individuals affected with LAMC3-related conditions. ClinVar contains an entry for this variant (Variation ID: 435729). Algorithms developed to predict the effect of missense changes on protein structure and function output the following: SIFT: "Tolerated"; PolyPhen-2: "Benign"; Align-GVGD: "Class C0". The serine amino acid residue is found in multiple mammalian species, which suggests that this missense change does not adversely affect protein function. In summary, the available evidence is currently insufficient to determine the role of this variant in disease. Therefore, it has been classified as a Variant of Uncertain Significance.

Genetic Services Laboratory, University of Chicago
Classification: Uncertain significance. Last evaluated: 2016-08-10. Review status: criteria provided, single submitter. Criteria: ACMG Guidelines, 2015. Collection method: clinical testing. Allele origin: germline. Affected: no.

NM_006059.4(LAMC3):c.3019G>A (p.Gly1007Ser)

Gene: LAMC3 (laminin subunit gamma 3; plus strand). Cytogenetic location: 9q34.12.
Variant type: single nucleotide variant.
Coding change: c.3019G>A on transcript NM_006059.4 (MANE Select); coding-DNA position 3019, G replaced by A.
Protein change: p.Gly1007Ser; replaces glycine 1007 with serine.
Molecular consequence: missense variant.
Genome position (GRCh38, 1-based): chr9:131,069,800, G>A. VCF-style: chr9-131069800-G-A. GRCh37 (hg19) VCF-style: chr9-133945187-G-A.
Other names: short protein forms G1007S.
Identifiers: ClinVar variation 435729 (VCV000435729.7), dbSNP rs141105450, ClinGen allele CA5287649.